The following is an entry in ClinVar:

NM_016239.4(MYO15A):c.4507G>T (p.Val1503Leu)

Gene: MYO15A (myosin XVA; plus strand). Cytogenetic location: 17p11.2.
Variant type: single nucleotide variant.
Coding change: c.4507G>T on transcript NM_016239.4 (MANE Select); coding-DNA position 4507, G replaced by T.
Protein change: p.Val1503Leu; replaces valine 1503 with leucine.
Molecular consequence: missense variant.
Genome position (GRCh38, 1-based): chr17:18,135,735, G>T. VCF-style: chr17-18135735-G-T. GRCh37 (hg19) VCF-style: chr17-18039049-G-T.
Other names: short protein forms V1503L.
Identifiers: ClinVar variation 889764 (VCV000889764.6), dbSNP rs2046254630, ClinGen allele CA398594340.
Genomic context (GRCh38, chr17:18,135,735, plus strand): 5'-TAGTTCAAAGCACATTCCTGTTGGTATTTTGCATAGACGGATGCACAGGAGGTGGCCTCA[G>T]TGGTGAGTGCCCGAGAGATCCAGGCCGTGGCAGAGCTGCTGCAGATCTCCCCTGAGGGCC-3'
Protein context (NP_057323.3, residues 1493-1513): YETDAQEVAS[Val1503Leu]VSAREIQAVA

ClinVar aggregate classification (germline): Uncertain significance. Review status: criteria provided, multiple submitters, no conflicts (2 of 4 stars). 2 submissions from 2 submitters: Uncertain significance (2). Last evaluated 2024-06-18.

Conditions:
Autosomal recessive nonsyndromic hearing loss 3. Also called: NEUROSENSORY NONSYNDROMIC RECESSIVE DEAFNESS 3. Identifiers: Orphanet 90636, MedGen C1838263, MONDO:0010860, OMIM 600316.

Allele frequency attached by ClinVar (database versions not stated): gnomAD exomes 0.00001.

Submissions (2):

Labcorp Genetics (formerly Invitae), Labcorp
Classification: Uncertain significance. Last evaluated: 2024-06-18. Review status: criteria provided, single submitter. Criteria: Invitae Variant Classification Sherloc (09022015). Collection method: clinical testing. Allele origin: germline.
Comment: This sequence change replaces valine, which is neutral and non-polar, with leucine, which is neutral and non-polar, at codon 1503 of the MYO15A protein (p.Val1503Leu). This variant is not present in population databases (gnomAD no frequency). This variant has not been reported in the literature in individuals affected with MYO15A-related conditions. ClinVar contains an entry for this variant (Variation ID: 889764). Advanced modeling of protein sequence and biophysical properties (such as structural, functional, and spatial information, amino acid conservation, physicochemical variation, residue mobility, and thermodynamic stability) has been performed at Invitae for this missense variant, however the output from this modeling did not meet the statistical confidence thresholds required to predict the impact of this variant on MYO15A protein function. In summary, the available evidence is currently insufficient to determine the role of this variant in disease. Therefore, it has been classified as a Variant of Uncertain Significance.

Illumina Laboratory Services, Illumina
Classification: Uncertain significance for Autosomal recessive nonsyndromic hearing loss 3. Last evaluated: 2018-01-13. Review status: criteria provided, single submitter. Criteria: ICSL Variant Classification Criteria 13 December 2019. Collection method: clinical testing. Allele origin: germline.